The following is an entry in ClinVar:

NM_000097.7(CPOX):c.811+5G>C

Gene: CPOX (coproporphyrinogen oxidase; minus strand). Cytogenetic location: 3q11.2.
Variant type: single nucleotide variant.
Coding change: c.811+5G>C on transcript NM_000097.7 (MANE Select); 5 bases into the intron after coding-DNA position 811, G replaced by C.
Molecular consequence: intron variant.
Genome position (GRCh38, 1-based): chr3:98,590,627, C>G on the plus strand (G>C on the coding strand, the complement: CPOX is on the minus strand). VCF-style: chr3-98590627-C-G. GRCh37 (hg19) VCF-style: chr3-98309471-C-G.
Identifiers: ClinVar variation 2444760 (VCV002444760.2), dbSNP rs2472115221, ClinGen allele CA2580070638.

ClinVar aggregate classification (germline): Uncertain significance. Review status: criteria provided, multiple submitters, no conflicts (2 of 4 stars). 2 submissions from 2 submitters: Uncertain significance (2). Last evaluated 2025-09-18.

gnomAD v4.1: 6 of 1,592,408 alleles (0.00038%); highest among the groups gnomAD compares: Non-Finnish European, 0.00052%; no homozygotes.

Submissions (2):

Mayo Clinic Laboratories, Mayo Clinic
Classification: Uncertain significance. Last evaluated: 2025-09-18. Review status: criteria provided, single submitter. Criteria: ACMG Guidelines, 2015. Collection method: clinical testing. Allele origin: germline. Observed: 1 variant allele.

GeneDx
Classification: Uncertain significance. Last evaluated: 2022-09-16. Review status: criteria provided, single submitter. Criteria: GeneDx Variant Classification Process June 2021. Collection method: clinical testing. Allele origin: germline. Affected: yes.
Comment: Not observed at significant frequency in large population cohorts (gnomAD); Has not been previously published as pathogenic or benign to our knowledge; In-silico analysis is inconclusive as to whether the variant alters gene splicing. In the absence of RNA/functional studies, the actual effect of this sequence change is unknown.